The following is an entry in ClinVar:

NM_001375808.2(LPIN2):c.2610C>T (p.Ser870=)

Gene: LPIN2 (lipin 2; minus strand). Cytogenetic location: 18p11.31.
Variant type: single nucleotide variant.
Coding change: c.2610C>T on transcript NM_001375808.2 (MANE Select); coding-DNA position 2610, C replaced by T.
Protein change: p.Ser870=; no amino-acid change (serine 870 retained).
Molecular consequence: synonymous variant.
Genome position (GRCh38, 1-based): chr18:2,920,374, G>A on the plus strand (C>T on the coding strand, the complement: LPIN2 is on the minus strand). VCF-style: chr18-2920374-G-A. GRCh37 (hg19) VCF-style: chr18-2920372-G-A.
Other names: c.2610C>T, p.Ser870= (NM_001375809.1, NM_014646.2).
Identifiers: ClinVar variation 245643 (VCV000245643.48), dbSNP rs145412418, ClinGen allele CA8872656.

ClinVar aggregate classification (germline): Conflicting classifications of pathogenicity. Review status: criteria provided, conflicting classifications (1 of 4 stars). 6 submissions from 6 submitters: Uncertain significance (1); Likely benign (5). Last evaluated 2026-07-01.

Conditions:
Autoinflammatory syndrome. Identifiers: Orphanet 93665, MedGen C3890737, MONDO:0019751.
Majeed syndrome (MJDS). Also called: LPIN2-Related Majeed Syndrome; CHRONIC RECURRENT MULTIFOCAL OSTEOMYELITIS 1, WITH CONGENITAL DYSERYTHROPOIETIC ANEMIA, WITH OR WITHOUT NEUTROPHILIC DERMATOSIS. Identifiers: Orphanet 77297, MedGen C1864997, MONDO:0012316, OMIM 609628.

Allele frequency attached by ClinVar (database versions not stated): ESP Exome Variant Server 0.00023; gnomAD 0.00025 and 0.00029; TOPMed 0.00029; gnomAD exomes 0.00041 and 0.00042; ExAC 0.00045; 1000 Genomes Project 30x 0.00109; 1000 Genomes Project 0.00140.
gnomAD v4.1: 651 of 1,614,120 alleles (0.04%); highest among the groups gnomAD compares: South Asian, 0.11%; 1 homozygote.

Submissions (6):

CeGaT Center for Human Genetics Tuebingen
Classification: Likely benign. Last evaluated: 2026-07-01. Review status: criteria provided, single submitter. Criteria: CeGaT Center For Human Genetics Tuebingen Variant Classification Criteria Version 2. Collection method: clinical testing. Allele origin: germline. Affected: yes. Observed: 2 variant alleles.
Comment: LPIN2: BP4, BP7

Labcorp Genetics (formerly Invitae), Labcorp
Classification: Likely benign for Majeed syndrome. Last evaluated: 2026-02-01. Review status: criteria provided, single submitter. Criteria: Invitae Variant Classification Sherloc (09022015). Collection method: clinical testing. Allele origin: germline.

Blueprint Genetics
Classification: Likely benign. Last evaluated: 2024-10-10. Review status: criteria provided, single submitter. Criteria: ACMG Guidelines, 2015. Collection method: clinical testing. Allele origin: germline.

ARUP Laboratories, Molecular Genetics and Genomics, ARUP Laboratories
Classification: Likely benign for Majeed syndrome. Last evaluated: 2021-08-17. Review status: criteria provided, single submitter. Criteria: ARUP Molecular Germline Variant Investigation Process 2021. Collection method: clinical testing. Allele origin: germline.

Genome Diagnostics Laboratory, The Hospital for Sick Children
Classification: Uncertain significance for Autoinflammatory syndrome. Last evaluated: 2020-10-07. Review status: criteria provided, single submitter. Criteria: ACMG Guidelines, 2015. Collection method: clinical testing. Allele origin: germline. Affected: yes.

GeneDx
Classification: Likely benign. Last evaluated: 2020-03-07. Review status: criteria provided, single submitter. Criteria: GeneDx Variant Classification Process June 2021. Collection method: clinical testing. Allele origin: germline. Affected: yes.